The following is an entry in ClinVar:

ClinVar aggregate classification (germline): Uncertain significance (1 of 4 stars; one submission).

Conditions:
Autoimmune lymphoproliferative syndrome type 1. Also called: AUTOIMMUNE LYMPHOPROLIFERATIVE SYNDROME, TYPE I, AUTOSOMAL DOMINANT. Identifiers: Orphanet 3261, MedGen C2717884, MONDO:0011158, OMIM 601859.

Submission:

Labcorp Genetics (formerly Invitae), Labcorp
Classification: Uncertain significance for Autoimmune lymphoproliferative syndrome. Last evaluated: 2024-11-27. Review status: criteria provided, single submitter. Criteria: Invitae Variant Classification Sherloc (09022015). Collection method: clinical testing. Allele origin: germline.
Comment: This sequence change replaces isoleucine, which is neutral and non-polar, with phenylalanine, which is neutral and non-polar, at codon 262 of the FAS protein (p.Ile262Phe). This variant is not present in population databases (gnomAD no frequency). This variant has not been reported in the literature in individuals affected with FAS-related conditions. Invitae Evidence Modeling of protein sequence and biophysical properties (such as structural, functional, and spatial information, amino acid conservation, physicochemical variation, residue mobility, and thermodynamic stability) indicates that this missense variant is expected to disrupt FAS protein function with a positive predictive value of 80%. This variant disrupts the p.Ile262 amino acid residue in FAS. Other variant(s) that disrupt this residue have been determined to be pathogenic (PMID: 17336828, 22983577, 32441320). This suggests that this residue is clinically significant, and that variants that disrupt this residue are likely to be disease-causing. In summary, the available evidence is currently insufficient to determine the role of this variant in disease. Therefore, it has been classified as a Variant of Uncertain Significance.

Literature cited by the submitters: PubMed 17336828; PubMed 22983577; PubMed 32441320.

NM_000043.6(FAS):c.784A>T (p.Ile262Phe)

Gene: FAS (Fas cell surface death receptor; plus strand). Cytogenetic location: 10q23.31.
Variant type: single nucleotide variant.
Coding change: c.784A>T on transcript NM_000043.6 (MANE Select); coding-DNA position 784, A replaced by T.
Protein change: p.Ile262Phe; replaces isoleucine 262 with phenylalanine.
Molecular consequence: missense variant. On other transcripts: 3 prime UTR variant (2), non-coding transcript variant (7).
Genome position (GRCh38, 1-based): chr10:89,014,226, A>T. VCF-style: chr10-89014226-A-T. GRCh37 (hg19) VCF-style: chr10-90773983-A-T.
Other names: c.*107A>T (NM_001320619.2); c.829A>T, p.Ile277Phe (NM_001410956.1); c.721A>T, p.Ile241Phe (NM_152871.4); c.*96A>T (NM_152872.4); short protein forms I262F, I277F, I241F.
Identifiers: ClinVar variation 3719244 (VCV003719244.2).